The following is an entry in ClinVar:

NM_001134407.3(GRIN2A):c.2419G>A (p.Val807Met)

Gene: GRIN2A (glutamate ionotropic receptor NMDA type subunit 2A; minus strand). Cytogenetic location: 16p13.2.
Variant type: single nucleotide variant.
Coding change: c.2419G>A on transcript NM_001134407.3 (MANE Select); coding-DNA position 2419, G replaced by A.
Protein change: p.Val807Met; replaces valine 807 with methionine.
Molecular consequence: missense variant.
Genome position (GRCh38, 1-based): chr16:9,769,027, C>T on the plus strand (G>A on the coding strand, the complement: GRIN2A is on the minus strand). VCF-style: chr16-9769027-C-T. GRCh37 (hg19) VCF-style: chr16-9862884-C-T.
Other names: c.2419G>A, p.Val807Met (NM_000833.5, NM_001134408.2); c.2419G>A (NM_000833.3); short protein forms V807M.
Identifiers: ClinVar variation 2864953 (VCV002864953.4), dbSNP rs2505980599, ClinGen allele CA394710184.

ClinVar aggregate classification (germline): Uncertain significance. Review status: criteria provided, multiple submitters, no conflicts (2 of 4 stars). 2 submissions from 2 submitters: Uncertain significance (2). Last evaluated 2024-04-24.

Conditions:
Landau-Kleffner syndrome (FESD). Also called: EPILEPSY, FOCAL, WITH SPEECH DISORDER AND WITH OR WITHOUT MENTAL RETARDATION; APHASIA, ACQUIRED, WITH EPILEPSY. Identifiers: Orphanet 1945, Orphanet 725, Orphanet 98818, MedGen C0282512, MONDO:0009509, OMIM 245570.

Submissions (2):

GeneDx
Classification: Uncertain significance. Last evaluated: 2024-04-24. Review status: criteria provided, single submitter. Criteria: GeneDx Variant Classification Process June 2021. Collection method: clinical testing. Allele origin: germline. Affected: yes.
Comment: Not observed at significant frequency in large population cohorts (gnomAD); In silico analysis supports that this missense variant has a deleterious effect on protein structure/function; Has not been previously published as pathogenic or benign to our knowledge

Labcorp Genetics (formerly Invitae), Labcorp
Classification: Uncertain significance for Landau-Kleffner syndrome. Last evaluated: 2023-07-28. Review status: criteria provided, single submitter. Criteria: Invitae Variant Classification Sherloc (09022015). Collection method: clinical testing. Allele origin: germline.
Comment: In summary, the available evidence is currently insufficient to determine the role of this variant in disease. Therefore, it has been classified as a Variant of Uncertain Significance. Advanced modeling of protein sequence and biophysical properties (such as structural, functional, and spatial information, amino acid conservation, physicochemical variation, residue mobility, and thermodynamic stability) performed at Invitae indicates that this missense variant is expected to disrupt GRIN2A protein function. This missense change has been observed in at least one individual who was not affected with GRIN2A-related conditions (Invitae). This variant has not been reported in the literature in individuals affected with GRIN2A-related conditions. This variant is not present in population databases (gnomAD no frequency). This sequence change replaces valine, which is neutral and non-polar, with methionine, which is neutral and non-polar, at codon 807 of the GRIN2A protein (p.Val807Met).